The following is an entry in ClinVar:

NM_001401501.2(MUC16):c.31332C>T (p.Ser10444=)

Gene: MUC16 (mucin 16, cell surface associated; minus strand). Cytogenetic location: 19p13.2.
Variant type: single nucleotide variant.
Coding change: c.31332C>T on transcript NM_001401501.2 (MANE Select); coding-DNA position 31332, C replaced by T.
Protein change: p.Ser10444=; no amino-acid change (serine 10444 retained).
Molecular consequence: synonymous variant.
Genome position (GRCh38, 1-based): chr19:8,945,558, G>A on the plus strand (C>T on the coding strand, the complement: MUC16 is on the minus strand). VCF-style: chr19-8945558-G-A. GRCh37 (hg19) VCF-style: chr19-9056234-G-A.
Other names: c.31758C>T, p.Ser10586= (NM_001414686.1); c.31212C>T, p.Ser10404= (NM_001414687.1, NM_024690.2).
Identifiers: ClinVar variation 3044379 (VCV003044379.2), dbSNP rs61732462, ClinGen allele CA9166951.

ClinVar aggregate classification (germline): Benign (0 of 4 stars; one submission).

Conditions:
MUC16-related disorder. Also called: MUC16-related condition.

Allele frequency attached by ClinVar (database versions not stated): 1000 Genomes Project 0.00998; 1000 Genomes Project 30x 0.00999; ESP Exome Variant Server 0.01087.

Submission:

PreventionGenetics, part of Exact Sciences
Classification: Benign for MUC16-related condition. Last evaluated: 2019-06-06. Review status: no assertion criteria provided. Collection method: clinical testing. Allele origin: germline.
Comment: This variant is classified as benign based on ACMG/AMP sequence variant interpretation guidelines (Richards et al. 2015 PMID: 25741868, with internal and published modifications).